The following is an entry in ClinVar:

ClinVar aggregate classification (germline): Likely pathogenic (1 of 4 stars; one submission).

Conditions:
Smith-Lemli-Opitz syndrome (SLOS). Also called: LETHAL ACRODYSGENITAL SYNDROME; POLYDACTYLY, SEX REVERSAL, RENAL HYPOPLASIA, AND UNILOBAR LUNG; RSH SYNDROME; RUTLEDGE LETHAL MULTIPLE CONGENITAL ANOMALY SYNDROME; 7-Dehydrocholesterol reductase deficiency. Identifiers: Orphanet 818, MedGen C0175694, MONDO:0010035, OMIM 270400.

Submission:

Natera, Inc.
Classification: Likely pathogenic for Smith-Lemli-Opitz syndrome. Last evaluated: 2025-09-30. Review status: criteria provided, single submitter. Criteria: Natera Variant Classification Schema (03/2026). Collection method: clinical testing. Allele origin: germline.
Comment: The c.438_440delTGGinsCGA variant in DHCR7 is a deletion-insertion (delins) variant predicted to replace one or more nucleotides with a different sequence. This variant is rare in the general population with a frequency below the threshold expected for the associated phenotype(s). This variant has been observed in one or more individuals affected with the associated recessive disease, as either homozygous or compound heterozygous with a second variant (PMID: 12818773). This variant has been observed to segregate in affected family members (PMID: 12818773). A different variant at the same position has been determined to be Pathogenic or Likely Pathogenic. Computational prediction algorithms indicate this variant is likely to affect gene or protein function. Given the available evidence, this variant is classified as Likely Pathogenic.

Literature cited by the submitters: PubMed 12818773.

NM_001360.3(DHCR7):c.438_440delinsCGA (p.Gly147Asp)

Gene: DHCR7 (7-dehydrocholesterol reductase; minus strand). Cytogenetic location: 11q13.4.
Variant type: Indel.
Coding change: c.438_440delinsCGA on transcript NM_001360.3 (MANE Select); coding-DNA positions 438 to 440, TGG replaced by CGA.
Protein change: p.Gly147Asp; replaces glycine 147 with aspartic acid.
Molecular consequence: missense variant.
Genome position (GRCh38, 1-based): chr11:71,441,413-71,441,415, CCA replaced by TCG on the plus strand (TGG replaced by CGA on the coding strand, the reverse complement: DHCR7 is on the minus strand). VCF-style: chr11-71441413-CCA-TCG. GRCh37 (hg19) VCF-style: chr11-71152459-CCA-TCG.
Other names: c.438_440delinsCGA, p.Gly147Asp (NM_001425107.1, NM_001425109.1, NM_001425110.1 and 7 more transcripts); c.474_476delinsCGA, p.Gly159Asp (NM_001425108.1); c.378_380delinsCGA, p.Gly127Asp (NM_001425113.1); c.342_344delinsCGA, p.Gly115Asp (NM_001425114.1, NM_001425116.1); c.264_266delinsCGA, p.Gly89Asp (NM_001425117.1); short protein forms G115D, G127D, G147D, G159D, G89D.
Identifiers: ClinVar variation 4814828 (VCV004814828.1).